The following is an entry in ClinVar:

ClinVar aggregate classification (germline): Uncertain significance (1 of 4 stars; one submission).

Conditions:
Catecholaminergic polymorphic ventricular tachycardia 1. Also called: VENTRICULAR TACHYCARDIA, STRESS-INDUCED POLYMORPHIC 1; VENTRICULAR TACHYCARDIA, CATECHOLAMINERGIC POLYMORPHIC, 1, WITH OR WITHOUT ATRIAL DYSFUNCTION AND/OR DILATED CARDIOMYOPATHY; RYR2-Related Catecholaminergic Polymorphic Ventricular Tachycardia. Identifiers: Orphanet 3286, MedGen C1631597, MONDO:0011484, OMIM 604772.

Submission:

Labcorp Genetics (formerly Invitae), Labcorp
Classification: Uncertain significance for Catecholaminergic polymorphic ventricular tachycardia 1. Last evaluated: 2026-02-02. Review status: criteria provided, single submitter. Criteria: Invitae Variant Classification Sherloc (09022015). Collection method: clinical testing. Allele origin: germline.
Comment: This sequence change replaces leucine, which is neutral and non-polar, with arginine, which is basic and polar, at codon 91 of the TRDN protein (p.Leu91Arg). This variant is not present in population databases (gnomAD no frequency). This variant has not been reported in the literature in individuals affected with TRDN-related conditions. Invitae Evidence Modeling of protein sequence and biophysical properties (such as structural, functional, and spatial information, amino acid conservation, physicochemical variation, residue mobility, and thermodynamic stability) indicates that this missense variant is not expected to disrupt TRDN protein function with a negative predictive value of 80%. In summary, the available evidence is currently insufficient to determine the role of this variant in disease. Therefore, it has been classified as a Variant of Uncertain Significance.

NM_006073.4(TRDN):c.272T>G (p.Leu91Arg)

Gene: TRDN (triadin; minus strand). Cytogenetic location: 6q22.31.
Variant type: single nucleotide variant.
Coding change: c.272T>G on transcript NM_006073.4 (MANE Select); coding-DNA position 272, T replaced by G.
Protein change: p.Leu91Arg; replaces leucine 91 with arginine.
Molecular consequence: missense variant.
Genome position (GRCh38, 1-based): chr6:123,548,573, A>C on the plus strand (T>G on the coding strand, the complement: TRDN is on the minus strand). VCF-style: chr6-123548573-A-C. GRCh37 (hg19) VCF-style: chr6-123869718-A-C.
Other names: c.272T>G, p.Leu91Arg (NM_001251987.2, NM_001256020.2, NM_001256021.2 and 2 more transcripts); short protein forms L91R.
Identifiers: ClinVar variation 4811639 (VCV004811639.1).